The following is an entry in ClinVar:

NM_005228.5(EGFR):c.776C>T (p.Thr259Met)

Gene: EGFR (epidermal growth factor receptor; plus strand). Cytogenetic location: 7p11.2.
Variant type: single nucleotide variant.
Coding change: c.776C>T on transcript NM_005228.5 (MANE Select); coding-DNA position 776, C replaced by T.
Protein change: p.Thr259Met; replaces threonine 259 with methionine.
Molecular consequence: missense variant. On other transcripts: intron variant (1).
Genome position (GRCh38, 1-based): chr7:55,154,039, C>T. VCF-style: chr7-55154039-C-T. GRCh37 (hg19) VCF-style: chr7-55221732-C-T.
Other names: c.641C>T, p.Thr214Met (NM_001346897.2, NM_001346899.2); c.776C>T, p.Thr259Met (NM_001346898.2, NM_201282.2, NM_201283.2 and 1 more transcripts); c.617C>T, p.Thr206Met (NM_001346900.2); c.89-1791C>T (NM_001346941.2); short protein forms T259M, T214M, T206M.
Identifiers: ClinVar variation 971242 (VCV000971242.9), dbSNP rs766478921, ClinGen allele CA4265362.

ClinVar aggregate classification (germline): Uncertain significance. Review status: criteria provided, multiple submitters, no conflicts (2 of 4 stars). 2 submissions from 2 submitters: Uncertain significance (2). Last evaluated 2026-01-02.

Conditions:
Hereditary cancer-predisposing syndrome. Also called: Neoplastic Syndromes, Hereditary; Hereditary Cancer Syndrome; Tumor predisposition; Hereditary neoplastic syndrome. Identifiers: Orphanet 140162, MedGen C0027672, MeSH D009386, MONDO:0015356.
EGFR-related lung cancer (EGFR). Identifiers: MedGen CN130014.

Allele frequency attached by ClinVar (database versions not stated): gnomAD exomes below 0.00001 and 0.00001; ExAC 0.00001.
gnomAD v4.1: 6 of 1,614,218 alleles (0.00037%); highest among the groups gnomAD compares: Admixed American, 0.005%; no homozygotes.

Submissions (2):

Labcorp Genetics (formerly Invitae), Labcorp
Classification: Uncertain significance for EGFR-related lung cancer. Last evaluated: 2026-01-02. Review status: criteria provided, single submitter. Criteria: Invitae Variant Classification Sherloc (09022015). Collection method: clinical testing. Allele origin: germline.
Comment: This sequence change replaces threonine, which is neutral and polar, with methionine, which is neutral and non-polar, at codon 259 of the EGFR protein (p.Thr259Met). This variant is present in population databases (rs766478921, gnomAD 0.009%). This variant has not been reported in the literature in individuals affected with EGFR-related conditions. ClinVar contains an entry for this variant (Variation ID: 971242). Invitae Evidence Modeling of protein sequence and biophysical properties (such as structural, functional, and spatial information, amino acid conservation, physicochemical variation, residue mobility, and thermodynamic stability) indicates that this missense variant is not expected to disrupt EGFR protein function with a negative predictive value of 80%. In summary, the available evidence is currently insufficient to determine the role of this variant in disease. Therefore, it has been classified as a Variant of Uncertain Significance.

Ambry Genetics
Classification: Uncertain significance for Hereditary cancer-predisposing syndrome. Last evaluated: 2025-07-10. Review status: criteria provided, single submitter. Criteria: Ambry Variant Classification Scheme 2023. Collection method: clinical testing. Allele origin: germline.
Comment: The p.T259M variant (also known as c.776C>T), located in coding exon 7 of the EGFR gene, results from a C to T substitution at nucleotide position 776. The threonine at codon 259 is replaced by methionine, an amino acid with similar properties. This amino acid position is well conserved in available vertebrate species. In addition, the in silico prediction for this alteration is inconclusive. Based on the available evidence, the clinical significance of this variant remains unclear.